The following is an entry in ClinVar:

ClinVar aggregate classification (germline): Likely pathogenic (1 of 4 stars; one submission).

Submission:

Labcorp Genetics (formerly Invitae), Labcorp
Classification: Likely pathogenic. Last evaluated: 2021-07-29. Review status: criteria provided, single submitter. Criteria: Invitae Variant Classification Sherloc (09022015). Collection method: clinical testing. Allele origin: unknown.
Comment: In summary, the currently available evidence indicates that the variant is pathogenic, but additional data are needed to prove that conclusively. Therefore, this variant has been classified as Likely Pathogenic. This variant disrupts the p.Gly2163 amino acid residue in MYO7A. Other variant(s) that disrupt this residue have been determined to be pathogenic (PMID: 19888295, 23770805, 28451532). This suggests that this residue is clinically significant, and that variants that disrupt this residue are likely to be disease-causing. A similar copy number variant has been observed in individual(s) with Usher syndrome (Invitae). This variant is a complex rearrangement involving an inversion of the genomic region encompassing exons 48-49 of the MYO7A gene (c.6439-31_*1358delins[6439_*87inv]). While this event is not anticipated to lead to nonsense mediated decay, it is expected to alter mRNA translation or result in a truncated protein product.

Literature cited by the submitters: PubMed 19888295; PubMed 23770805; PubMed 28451532.

NC_000011.9:g.(?_76924874)_(76927099_?)del

Gene: MYO7A (myosin VIIA; plus strand). Cytogenetic location: 11q13.5.
Variant type: Deletion.
Identifiers: ClinVar variation 3244715 (VCV003244715.1).